The following is an entry in ClinVar:

ClinVar aggregate classification (germline): Likely pathogenic (1 of 4 stars; one submission).

Conditions:
Premature ovarian failure 24. Identifiers: MedGen C5935624, MONDO:0970995, OMIM 620840.

Submission:

First Genomix Gene Laboratory, Genetic Diagnostics Department
Classification: Likely pathogenic for Premature ovarian failure 24. Last evaluated: 2025-09-19. Review status: criteria provided, single submitter. Criteria: ACMG Guidelines, 2015. Collection method: clinical testing. Allele origin: germline. Inheritance: Autosomal recessive inheritance. Affected: no. Observed: 1 variant allele.

NM_001040274.3(SYCP2L):c.149_152del (p.Lys50fs)

Gene: SYCP2L (synaptonemal complex protein 2 like; plus strand). Cytogenetic location: 6p24.2.
Variant type: Deletion.
Coding change: c.149_152del on transcript NM_001040274.3 (MANE Select); coding-DNA positions 149 to 152, 4 bases deleted (AAGA; older notation c.149_152delAAGA).
Protein change: p.Lys50fs; shifts the reading frame from lysine 50.
Molecular consequence: frameshift variant.
Genome position (GRCh38, 1-based): chr6:10,893,937-10,893,940, AAGA deleted; deleting any 4 consecutive bases within chr6:10,893,934-10,893,940 gives the same sequence; the c. name uses the placement nearest the transcript's 3' end. VCF-style (leftmost placement, unchanged base first): chr6-10893933-CAGAA-C. GRCh37 (hg19) VCF-style: chr6-10894166-CAGAA-C.
Other names: short protein forms K50fs.
Identifiers: ClinVar variation 4850414 (VCV004850414.1).